The following is an entry in ClinVar:

ClinVar aggregate classification (germline): Uncertain significance (1 of 4 stars; one submission).

Conditions:
Oocyte maturation defect 7. Also called: OOCYTE/ZYGOTE/EMBRYO MATURATION ARREST 7. Identifiers: MedGen C5231407, MONDO:0032810, OMIM 618550.

Submission:

Juno Genomics, Hangzhou Juno Genomics, Inc
Classification: Uncertain significance for Oocyte maturation defect 7. Review status: criteria provided, single submitter. Criteria: ACMG Guidelines, 2015. Collection method: clinical testing. Allele origin: germline. Affected: yes.
Comment: Absent from controls (or at extremely low frequency if recessive) in Genome Aggregation Database, Exome Sequencing Project, 1000 Genomes Project, or Exome Aggregation Consortium.;Protein length changes due to in-frame deletions/insertions in a non-repeat region or stop-loss variants.

NM_015368.4(PANX1):c.1281A>T (p.Ter427Cys)

Gene: PANX1 (pannexin 1; plus strand). Cytogenetic location: 11q21.
Variant type: single nucleotide variant.
Coding change: c.1281A>T on transcript NM_015368.4 (MANE Select); coding-DNA position 1281, A replaced by T.
Protein change: p.Ter427Cys.
Molecular consequence: stop lost.
Genome position (GRCh38, 1-based): chr11:94,180,869, A>T. VCF-style: chr11-94180869-A-T. GRCh37 (hg19) VCF-style: chr11-93914035-A-T.
Identifiers: ClinVar variation 3382423 (VCV003382423.2).
Genomic context (GRCh38, chr11:94,180,869, plus strand): 5'-AACTAAAGCAAATAATGGAGAGAAGAATGCCCGACAGAGACTTCTGGATTCTTCTTGCTG[A>T]TGATTTTTTTCCTTGAGCTGTAAATCTGTGACTTCTGCGACATGGGATTTAATTTGGCTA-3'